The following is an entry in ClinVar:

NC_000005.10:g.112707465C>T

Gene: APC (APC regulator of Wnt signaling pathway; plus strand). Cytogenetic location: 5q22.2.
Variant type: single nucleotide variant.
Genome position: GRCh38 VCF-style: chr5-112707465-C-T. GRCh37 (hg19) VCF-style: chr5-112043162-C-T.
Identifiers: ClinVar variation 1054591 (VCV001054591.8), dbSNP rs1424887097, ClinGen allele CA802056949.
Genomic context (GRCh38, chr5:112,707,465, plus strand): 5'-GCCCGGCAAGCGGAGCGCAGCACCCATTGCGCCTGCGCATAACAGGCTCTAGTCTCCGGG[C>T]TGTGGGAAGCCAGCAACACCTCTCACGCATGCGCATTGTAGTCTTCCCACCTCCCACAAG-3'

ClinVar aggregate classification (germline): Uncertain significance (1 of 4 stars; one submission).

Conditions:
Familial adenomatous polyposis 1 (FAP1). Also called: FAMILIAL ADENOMATOUS POLYPOSIS 1, ATTENUATED; POLYPOSIS, ADENOMATOUS INTESTINAL. Identifiers: MedGen C2713442, MONDO:0021056, OMIM 175100. Disease mechanism: loss of function.

Submission:

Labcorp Genetics (formerly Invitae), Labcorp
Classification: Uncertain significance for Familial adenomatous polyposis 1. Last evaluated: 2026-01-11. Review status: criteria provided, single submitter. Criteria: Invitae Variant Classification Sherloc (09022015). Collection method: clinical testing. Allele origin: germline.
Comment: This variant occurs in a non-coding region of the APC gene. It does not change the encoded amino acid sequence of the APC protein. This variant is not present in population databases (gnomAD no frequency). This variant has not been reported in the literature in individuals affected with APC-related conditions. Experimental studies and prediction algorithms are not available or were not evaluated, and the functional significance of this variant is currently unknown. In summary, the available evidence is currently insufficient to determine the role of this variant in disease. Therefore, it has been classified as a Variant of Uncertain Significance.